The following is an entry in ClinVar:

NM_000525.4(KCNJ11):c.941G>A (p.Arg314His)

Gene: KCNJ11 (potassium inwardly rectifying channel subfamily J member 11; minus strand). Cytogenetic location: 11p15.1.
Variant type: single nucleotide variant.
Coding change: c.941G>A on transcript NM_000525.4 (MANE Select); coding-DNA position 941, G replaced by A.
Protein change: p.Arg314His; replaces arginine 314 with histidine.
Molecular consequence: missense variant.
Genome position (GRCh38, 1-based): chr11:17,387,151, C>T on the plus strand (G>A on the coding strand, the complement: KCNJ11 is on the minus strand). VCF-style: chr11-17387151-C-T. GRCh37 (hg19) VCF-style: chr11-17408698-C-T.
Other names: c.680G>A, p.Arg227His (NM_001166290.2, NM_001377296.1, NM_001377297.1); short protein forms R227H, R314H.
Identifiers: ClinVar variation 1034248 (VCV001034248.5), dbSNP rs145935651, ClinGen allele CA5902214.

ClinVar aggregate classification (germline): Uncertain significance. Review status: criteria provided, multiple submitters, no conflicts (2 of 4 stars). 4 submissions from 4 submitters: Uncertain significance (4). Last evaluated 2025-10-09.

Conditions:
Maturity-onset diabetes of the young (MODY). Also called: Maturity onset diabetes mellitus in young. Identifiers: Orphanet 552, MedGen C0342276, MONDO:0018911, HP:0004904.
Permanent neonatal diabetes mellitus 1. Also called: GCK-Related Permanent Neonatal Diabetes Mellitus. Identifiers: MedGen C5393570, MONDO:0100165, OMIM 606176.
Hyperinsulinemic hypoglycemia, familial, 2. Also called: HYPERINSULINEMIC HYPOGLYCEMIA, PERSISTENT; HYPERINSULINISM, NEONATAL. Identifiers: Orphanet 276580, Orphanet 276603, MedGen C2931833, MONDO:0011153, OMIM 601820. Disease mechanism: loss of function.
Diabetes mellitus, permanent neonatal 2. Also called: KCNJ11-Related Permanent Neonatal Diabetes Mellitus. Identifiers: MedGen C5394296, MONDO:0030087, OMIM 618856.
Diabetes mellitus, transient neonatal, 3 (TNDM3). Identifiers: Orphanet 99886, MedGen C1864623, MONDO:0012522, OMIM 610582. Disease mechanism: loss of function.
Type 2 diabetes mellitus. Also called: Type II diabetes mellitus. Identifiers: MedGen C0011860, MeSH D003924, MONDO:0005148, OMIM 125853, HP:0005978.
Maturity-onset diabetes of the young type 13. Also called: MODY, TYPE 13. Identifiers: Orphanet 552, MedGen C4225365, MONDO:0014589, OMIM 616329.

Allele frequency attached by ClinVar (database versions not stated): gnomAD exomes 0.00001 and 0.00002; ExAC 0.00003; TOPMed 0.00008; gnomAD 0.00009 and 0.00011; ESP Exome Variant Server 0.00023.

Submissions (4):

Labcorp Genetics (formerly Invitae), Labcorp
Classification: Uncertain significance. Last evaluated: 2025-10-09. Review status: criteria provided, single submitter. Criteria: Invitae Variant Classification Sherloc (09022015). Collection method: clinical testing. Allele origin: germline.
Comment: This sequence change replaces arginine, which is basic and polar, with histidine, which is basic and polar, at codon 314 of the KCNJ11 protein (p.Arg314His). This variant is present in population databases (rs145935651, gnomAD 0.05%). This variant has not been reported in the literature in individuals affected with KCNJ11-related conditions. ClinVar contains an entry for this variant (Variation ID: 1034248). Invitae Evidence Modeling of protein sequence and biophysical properties (such as structural, functional, and spatial information, amino acid conservation, physicochemical variation, residue mobility, and thermodynamic stability) indicates that this missense variant is expected to disrupt KCNJ11 protein function with a positive predictive value of 95%. In summary, the available evidence is currently insufficient to determine the role of this variant in disease. Therefore, it has been classified as a Variant of Uncertain Significance.

Fulgent Genetics
Classification: Uncertain significance for Type 2 diabetes mellitus; Hyperinsulinemic hypoglycemia, familial, 2; Diabetes mellitus, transient neonatal, 3; Maturity-onset diabetes of the young type 13; Diabetes mellitus, permanent neonatal 2. Last evaluated: 2024-02-14. Review status: criteria provided, single submitter. Criteria: ACMG Guidelines, 2015. Collection method: clinical testing. Allele origin: germline.

Baylor Genetics
Classification: Uncertain significance for Permanent neonatal diabetes mellitus 1. Last evaluated: 2018-10-09. Review status: criteria provided, single submitter. Criteria: ACMG Guidelines, 2015. Collection method: clinical testing. Allele origin: maternal. Affected: yes.
Comment: This variant was determined to be of uncertain significance according to ACMG Guidelines, 2015 [PMID:25741868].

Clinical Genomics, Uppaluri K&H Personalized Medicine Clinic
Classification: Uncertain significance for Maturity-onset diabetes of the young. Review status: criteria provided, single submitter. Criteria: K&H Uppaluri Personalized Medicine Clinic Variant Classification & Assertion Criteria. Collection method: research. Allele origin: somatic. Inheritance: Autosomal dominant inheritance.
Comment: Mutations in KCNJ11 gene can cause decreased production and secretion of insulin. This can lead to MODY which may be responsive to oral sulfonylureas. It is also associated with Neonatal Diabetes. However, no sufficient evidence is found to ascertain the role of rs145935651 variant in MODY yet.

Literature cited by the submitters: PubMed 26448950 (cited by Clinical Genomics, Uppaluri K&H Personalized Medicine Clinic); PubMed 15580558 (cited by Clinical Genomics, Uppaluri K&H Personalized Medicine Clinic); PubMed 15718250 (cited by Clinical Genomics, Uppaluri K&H Personalized Medicine Clinic).